The following is an entry in ClinVar:

ClinVar aggregate classification (germline): Uncertain significance (1 of 4 stars; one submission).

Conditions:
Hereditary breast ovarian cancer syndrome. Also called: Hereditary breast and/or ovarian cancer syndrome; Hereditary breast and ovarian cancer syndrome; Hereditary breast and ovarian cancer syndrome (HBOC); Breast and ovarian cancer; BRCA1- and BRCA2-Associated Hereditary Breast and Ovarian Cancer; Hereditary breast and ovarian cancer. Identifiers: Orphanet 145, MedGen C0677776, MeSH D061325, MONDO:0003582. Disease mechanism: loss of function.

Submission:

Labcorp Genetics (formerly Invitae), Labcorp
Classification: Uncertain significance for Hereditary breast ovarian cancer syndrome. Last evaluated: 2019-06-24. Review status: criteria provided, single submitter. Criteria: Invitae Variant Classification Sherloc (09022015). Collection method: clinical testing. Allele origin: germline.
Comment: In summary, the available evidence is currently insufficient to determine the role of this variant in disease. Therefore, it has been classified as a Variant of Uncertain Significance. This sequence change replaces aspartic acid with asparagine at codon 2938 of the BRCA2 protein (p.Asp2938Asn). The aspartic acid residue is moderately conserved and there is a small physicochemical difference between aspartic acid and asparagine. This variant is not present in population databases (ExAC no frequency). This variant has not been reported in the literature in individuals with BRCA2-related conditions. Algorithms developed to predict the effect of missense changes on protein structure and function are either unavailable or do not agree on the potential impact of this missense change (SIFT: "Deleterious"; PolyPhen-2: "Probably Damaging"; Align-GVGD: "Class C0").

NM_000059.4(BRCA2):c.8812G>A (p.Asp2938Asn)

Gene: BRCA2 (BRCA2 DNA repair associated; plus strand). Cytogenetic location: 13q13.1.
Variant type: single nucleotide variant.
Coding change: c.8812G>A on transcript NM_000059.4 (MANE Select); coding-DNA position 8812, G replaced by A.
Protein change: p.Asp2938Asn; replaces aspartic acid 2938 with asparagine.
Molecular consequence: missense variant.
Genome position (GRCh38, 1-based): chr13:32,379,374, G>A. VCF-style: chr13-32379374-G-A. GRCh37 (hg19) VCF-style: chr13-32953511-G-A.
Other names: short protein forms D2938N.
Identifiers: ClinVar variation 946658 (VCV000946658.10), dbSNP rs2072898861, ClinGen allele CA387756061.